The following is an entry in ClinVar:

NM_001081.4(CUBN):c.6459G>C (p.Leu2153Phe)

Gene: CUBN (cubilin; minus strand). Cytogenetic location: 10p13.
Variant type: single nucleotide variant.
Coding change: c.6459G>C on transcript NM_001081.4 (MANE Select); coding-DNA position 6459, G replaced by C.
Protein change: p.Leu2153Phe; replaces leucine 2153 with phenylalanine.
Molecular consequence: missense variant.
Genome position (GRCh38, 1-based): chr10:16,925,587, C>G on the plus strand (G>C on the coding strand, the complement: CUBN is on the minus strand). VCF-style: chr10-16925587-C-G. GRCh37 (hg19) VCF-style: chr10-16967586-C-G.
Other names: short protein forms L2153F.
Identifiers: ClinVar variation 299438 (VCV000299438.18), dbSNP rs62619939, ClinGen allele CA5423682.
Genomic context (GRCh38, chr10:16,925,587, plus strand): 5'-GTTTTCTGAATGAAGTCTATGGAAAATGTAATTAGAAAGGGTAGCAGCAAGACCTACCAC[C>G]AAGTAATCCCCCTGGTTGCAAGAAGAATCTCCATTTGGAATCTGGAAAGGCTGTTCAAAA-3'
Protein context (NP_001072.2, residues 2143-2163): GDSSCNQGDY[Leu2153Phe]VLRNGPDICS

ClinVar aggregate classification (germline): Benign. Review status: criteria provided, multiple submitters, no conflicts (2 of 4 stars). 6 submissions from 6 submitters: Benign (6). Last evaluated 2026-02-04.

Conditions:
Imerslund-Grasbeck syndrome type 1 (IGS1). Also called: Megaloblastic anemia 1, Finnish type; MEGALOBLASTIC ANEMIA, 1; Imerslund-Gräsbeck syndrome 1. Identifiers: MedGen C4016819, MONDO:0100156, OMIM 261100.
Imerslund-Grasbeck syndrome. Also called: ENTEROCYTE COBALAMIN MALABSORPTION; ENTEROCYTE INTRINSIC FACTOR RECEPTOR, DEFECT OF; Imerslund-Gräsbeck syndrome; PERNICIOUS ANEMIA, JUVENILE, DUE TO SELECTIVE INTESTINAL MALABSORPTION OF VITAMIN B12, WITH PROTEINURIA; Megaloblastic anemia due to inborn errors of metabolism. Identifiers: Orphanet 35858, MedGen C4551825, MONDO:0009853.

Allele frequency attached by ClinVar (database versions not stated): ESP Exome Variant Server 0.12471; TOPMed 0.12690; gnomAD 0.12797 and 0.12828; gnomAD exomes 0.12992; ExAC 0.13069; 1000 Genomes Project 30x 0.13398; 1000 Genomes Project 0.13458.
gnomAD v4.1: 199,933 of 1,613,578 alleles (12%); highest among the groups gnomAD compares: South Asian, 18%; 12,869 homozygotes.

Submissions (6):

Labcorp Genetics (formerly Invitae), Labcorp
Classification: Benign for Imerslund-Grasbeck syndrome. Last evaluated: 2026-02-04. Review status: criteria provided, single submitter. Criteria: Invitae Variant Classification Sherloc (09022015). Collection method: clinical testing. Allele origin: germline.

Blueprint Genetics
Classification: Benign. Last evaluated: 2024-11-27. Review status: criteria provided, single submitter. Criteria: ACMG Guidelines, 2015. Collection method: clinical testing. Allele origin: germline.

Mayo Clinic Laboratories, Mayo Clinic
Classification: Benign. Last evaluated: 2022-03-09. Review status: criteria provided, single submitter. Criteria: ACMG Guidelines, 2015. Collection method: clinical testing. Allele origin: germline. Observed: 53 variant alleles.

GeneDx
Classification: Benign. Last evaluated: 2018-09-07. Review status: criteria provided, single submitter. Criteria: GeneDx Variant Classification Process June 2021. Collection method: clinical testing. Allele origin: germline. Affected: yes.

Illumina Laboratory Services, Illumina
Classification: Benign for Imerslund-Grasbeck syndrome type 1. Last evaluated: 2018-01-12. Review status: criteria provided, single submitter. Criteria: ICSL Variant Classification Criteria 13 December 2019. Collection method: clinical testing. Allele origin: germline.
Comment: This variant was observed in the ICSL laboratory as part of a predisposition screen in an ostensibly healthy population. It had not been previously curated by ICSL or reported in the Human Gene Mutation Database (HGMD: prior to June 1st, 2018), and was therefore a candidate for classification through an automated scoring system. Utilizing variant allele frequency, disease prevalence and penetrance estimates, and inheritance mode, an automated score was calculated to assess if this variant is too frequent to cause the disease. Based on the score and internal cut-off values, a variant classified as benign is not then subjected to further curation. The score for this variant resulted in a classification of benign for this disease.

Breakthrough Genomics
Classification: Benign. Review status: criteria provided, single submitter. Criteria: ACMG Guidelines, 2015. Collection method: not provided. Allele origin: germline. Inheritance: Autosomal recessive inheritance. Affected: yes.